The following is an entry in ClinVar:

NM_030662.4(MAP2K2):c.395G>A (p.Gly132Asp)

Gene: MAP2K2 (mitogen-activated protein kinase kinase 2; minus strand). Cytogenetic location: 19p13.3.
Variant type: single nucleotide variant.
Coding change: c.395G>A on transcript NM_030662.4 (MANE Select); coding-DNA position 395, G replaced by A.
Protein change: p.Gly132Asp; replaces glycine 132 with aspartic acid.
Molecular consequence: missense variant.
Genome position (GRCh38, 1-based): chr19:4,110,564, C>T on the plus strand (G>A on the coding strand, the complement: MAP2K2 is on the minus strand). VCF-style: chr19-4110564-C-T. GRCh37 (hg19) VCF-style: chr19-4110562-C-T.
Other names: short protein forms G132D.
Identifiers: ClinVar variation 30170 (VCV000030170.7), dbSNP rs387906800, ClinGen allele CA250288.

ClinVar aggregate classification (germline): Pathogenic/Likely pathogenic. Review status: criteria provided, multiple submitters, no conflicts (2 of 4 stars). 5 submissions from 5 submitters: Pathogenic (2); Likely pathogenic (1). 2 of the submissions do not count toward it. Last evaluated 2024-12-26.

Conditions:
Cardiovascular phenotype. Identifiers: MedGen CN230736.
Cardiofaciocutaneous syndrome 4 (CFC4). Also called: MAP2K2-Related Cardiofaciocutaneous Syndrome. Identifiers: Orphanet 1340, MedGen C3809007, MONDO:0014114, OMIM 615280.
RASopathy. Also called: rasopathies; Noonan spectrum disorder. Identifiers: Orphanet 536391, MedGen C5555857, MONDO:0021060.

Submissions (5):

Ambry Genetics
Classification: Pathogenic for Cardiovascular phenotype. Last evaluated: 2024-12-26. Review status: criteria provided, single submitter. Criteria: Ambry Variant Classification Scheme 2023. Collection method: clinical testing. Allele origin: germline.
Comment: The c.395G>A (p.G132D) alteration is located in exon 3 (coding exon 3) of the MAP2K2 gene. This alteration results from a G to A substitution at nucleotide position 395, causing the glycine (G) at amino acid position 132 to be replaced by an aspartic acid (D). This variant was not reported in population-based cohorts in the Genome Aggregation Database (gnomAD). This variant was reported in individuals with developmental delay, learning difficulties, pulmonary stenosis, short stature, absent eyebrows, hyperelastic skin, palmoplantar hyperkeratosis, and/or other clinical features consistent with MAP2K2-related RASopathy (Linden, 2011; Uluda Alkaya, 2021; Gorukmez, 2023; NCBI ClinVar). Another variant at the same codon, c.395G>T (p.G132V), and another variant at the similar codon in the paralog MAP2K1, c.383G>T (p.G128V), have been identified in individual(s) with features consistent with RASopathies (Narumi, 2007; Schulz, 2008). This amino acid position is highly conserved in available vertebrate species. This alteration is predicted to be deleterious by in silico analysis. Based on the available evidence, this alteration is classified as pathogenic.

GeneDx
Classification: Pathogenic. Last evaluated: 2024-04-26. Review status: criteria provided, single submitter. Criteria: GeneDx Variant Classification Process June 2021. Collection method: clinical testing. Allele origin: germline. Affected: yes.
Comment: Not observed at significant frequency in large population cohorts (gnomAD); Missense variants in this gene are a common cause of disease and they are underrepresented in the general population; In silico analysis supports that this missense variant has a deleterious effect on protein structure/function; This variant is associated with the following publications: (PMID: 24803665, 31040167, 25370473, 22753777, 19156172, 26399658, 22177953, 29493581, 34184824, 21178588, 36964972)

Undiagnosed Diseases Network, NIH
Classification: Likely pathogenic for Cardiofaciocutaneous syndrome 4. Last evaluated: 2020-04-23. Review status: criteria provided, single submitter. Criteria: ACMG Guidelines, 2015. Collection method: clinical testing. Allele origin: unknown. Inheritance: Autosomal dominant inheritance. Affected: yes. Observed: 1 variant allele, 1 heterozygote. Study: Undiagnosed Diseases Network (NIH), UDN.

OMIM
Classification: Pathogenic for CARDIOFACIOCUTANEOUS SYNDROME 4. Last evaluated: 2011-04-01. Review status: no assertion criteria provided. Collection method: literature only. Allele origin: germline. Not counted in ClinVar's aggregate classification.

Baylor Genetics
Classification: Pathogenic for Rasopathy. Review status: no assertion criteria provided. Collection method: clinical testing. Allele origin: unknown. Affected: yes. Not counted in ClinVar's aggregate classification.
Comment: Variant classified using ACMG guidelines

Literature cited by the submitters: PubMed 17366577 (cited by Ambry Genetics); PubMed 18042262 (cited by Ambry Genetics); PubMed 21178588 (cited by 3 submitters); PubMed 34184824 (cited by Ambry Genetics); PubMed 36964972 (cited by Ambry Genetics); PubMed 24803665 (cited by Undiagnosed Diseases Network, NIH).